The following is an entry in ClinVar:

NM_005732.4(RAD50):c.1495A>G (p.Thr499Ala)

Gene: RAD50 (RAD50 double strand break repair protein; plus strand). Cytogenetic location: 5q31.1.
Variant type: single nucleotide variant.
Coding change: c.1495A>G on transcript NM_005732.4 (MANE Select); coding-DNA position 1495, A replaced by G.
Protein change: p.Thr499Ala; replaces threonine 499 with alanine.
Molecular consequence: missense variant.
Genome position (GRCh38, 1-based): chr5:132,591,266, A>G. VCF-style: chr5-132591266-A-G. GRCh37 (hg19) VCF-style: chr5-131926958-A-G.
Other names: short protein forms T499A.
Identifiers: ClinVar variation 142582 (VCV000142582.15), dbSNP rs587782563, ClinGen allele CA168751.

ClinVar aggregate classification (germline): Uncertain significance. Review status: criteria provided, multiple submitters, no conflicts (2 of 4 stars). 2 submissions from 2 submitters: Uncertain significance (2). Last evaluated 2019-07-30.

Conditions:
Hereditary cancer-predisposing syndrome. Also called: Hereditary Cancer Syndrome; Neoplastic Syndromes, Hereditary; Hereditary neoplastic syndrome; Tumor predisposition. Identifiers: Orphanet 140162, MedGen C0027672, MeSH D009386, MONDO:0015356.

Submissions (2):

Ambry Genetics
Classification: Uncertain significance for Hereditary cancer-predisposing syndrome. Last evaluated: 2019-07-30. Review status: criteria provided, single submitter. Criteria: Ambry Variant Classification Scheme 2023. Collection method: clinical testing. Allele origin: germline.
Comment: The p.T499A variant (also known as c.1495A>G), located in coding exon 10 of the RAD50 gene, results from an A to G substitution at nucleotide position 1495. The threonine at codon 499 is replaced by alanine, an amino acid with similar properties. This amino acid position is poorly conserved in available vertebrate species. In addition, this alteration is predicted to be tolerated by in silico analysis. Since supporting evidence is limited at this time, the clinical significance of this alteration remains unclear.

Labcorp Genetics (formerly Invitae), Labcorp
Classification: Uncertain significance for Hereditary cancer-predisposing syndrome. Last evaluated: 2019-01-17. Review status: criteria provided, single submitter. Criteria: Invitae Variant Classification Sherloc (09022015). Collection method: clinical testing. Allele origin: germline.
Comment: This variant has not been reported in the literature in individuals with RAD50-related conditions. ClinVar contains an entry for this variant (Variation ID: 142582). In summary, the available evidence is currently insufficient to determine the role of this variant in disease. Therefore, it has been classified as a Variant of Uncertain Significance. Algorithms developed to predict the effect of missense changes on protein structure and function output the following: SIFT: "Tolerated"; PolyPhen-2: "Benign"; Align-GVGD: "Class C0". The alanine amino acid residue is found in multiple mammalian species, suggesting that this missense change does not adversely affect protein function. These predictions have not been confirmed by published functional studies and their clinical significance is uncertain. This variant is not present in population databases (ExAC no frequency). This sequence change replaces threonine with alanine at codon 499 of the RAD50 protein (p.Thr499Ala). The threonine residue is weakly conserved and there is a small physicochemical difference between threonine and alanine.